The following is an entry in ClinVar:

NM_000313.4(PROS1):c.1187G>A (p.Ser396Asn)

Gene: PROS1 (protein S; minus strand). Cytogenetic location: 3q11.1.
Variant type: single nucleotide variant.
Coding change: c.1187G>A on transcript NM_000313.4 (MANE Select); coding-DNA position 1187, G replaced by A.
Protein change: p.Ser396Asn; replaces serine 396 with asparagine.
Molecular consequence: missense variant.
Genome position (GRCh38, 1-based): chr3:93,886,472, C>T on the plus strand (G>A on the coding strand, the complement: PROS1 is on the minus strand). VCF-style: chr3-93886472-C-T. GRCh37 (hg19) VCF-style: chr3-93605316-C-T.
Other names: c.1283G>A, p.Ser428Asn (NM_001314077.2); short protein forms S396N, S428N.
Identifiers: ClinVar variation 2956374 (VCV002956374.3), dbSNP rs1343691142, ClinGen allele CA353670330.

ClinVar aggregate classification (germline): Uncertain significance (1 of 4 stars; one submission).

Conditions:
Thrombophilia due to protein S deficiency, autosomal recessive (THPH6). Identifiers: Orphanet 743, MedGen C3281092, MONDO:0013791, OMIM 614514. Disease mechanism: loss of function.

Allele frequency attached by ClinVar (database versions not stated): gnomAD 0.00001.
gnomAD v4.1: 1 of 1,611,146 alleles (0.000062%); highest among the groups gnomAD compares: African/African-American, 0.0013%; no homozygotes.

Submission:

Labcorp Genetics (formerly Invitae), Labcorp
Classification: Uncertain significance for Thrombophilia due to protein S deficiency, autosomal recessive. Last evaluated: 2024-06-29. Review status: criteria provided, single submitter. Criteria: Invitae Variant Classification Sherloc (09022015). Collection method: clinical testing. Allele origin: germline.
Comment: This sequence change replaces serine, which is neutral and polar, with asparagine, which is neutral and polar, at codon 396 of the PROS1 protein (p.Ser396Asn). This variant is present in population databases (no rsID available, gnomAD 0.01%). This variant has not been reported in the literature in individuals affected with PROS1-related conditions. Advanced modeling of protein sequence and biophysical properties (such as structural, functional, and spatial information, amino acid conservation, physicochemical variation, residue mobility, and thermodynamic stability) performed at Invitae indicates that this missense variant is not expected to disrupt PROS1 protein function with a negative predictive value of 80%. In summary, the available evidence is currently insufficient to determine the role of this variant in disease. Therefore, it has been classified as a Variant of Uncertain Significance.